The following is an entry in ClinVar:

NM_007103.4(NDUFV1):c.670C>T (p.Arg224Cys)

Gene: NDUFV1 (NADH:ubiquinone oxidoreductase core subunit V1; plus strand). Cytogenetic location: 11q13.2.
Variant type: single nucleotide variant.
Coding change: c.670C>T on transcript NM_007103.4 (MANE Select); coding-DNA position 670, C replaced by T.
Protein change: p.Arg224Cys; replaces arginine 224 with cysteine.
Molecular consequence: missense variant.
Genome position (GRCh38, 1-based): chr11:67,610,540, C>T. VCF-style: chr11-67610540-C-T. GRCh37 (hg19) VCF-style: chr11-67378011-C-T.
Other names: c.643C>T, p.Arg215Cys (NM_001166102.2); short protein forms R224C, R215C.
Identifiers: ClinVar variation 638374 (VCV000638374.10), dbSNP rs138583785, ClinGen allele CA6143236.

ClinVar aggregate classification (germline): Uncertain significance. Review status: criteria provided, multiple submitters, no conflicts (2 of 4 stars). 6 submissions from 6 submitters: Uncertain significance (6). Last evaluated 2024-06-03.

Conditions:
Inborn genetic diseases. Identifiers: MedGen C0950123, MeSH D030342.
Mitochondrial complex I deficiency, nuclear type 4. Also called: Mitochondrial complex 1 deficiency, nuclear type 4. Identifiers: MedGen C4748753, MONDO:0032609, OMIM 618225.

Allele frequency attached by ClinVar (database versions not stated): gnomAD 0.00003 and 0.00004; gnomAD exomes 0.00003 and 0.00006; TOPMed 0.00005; ExAC 0.00007; ESP Exome Variant Server 0.00015.

Submissions (6):

Labcorp Genetics (formerly Invitae), Labcorp
Classification: Uncertain significance. Last evaluated: 2024-06-03. Review status: criteria provided, single submitter. Criteria: Invitae Variant Classification Sherloc (09022015). Collection method: clinical testing. Allele origin: germline.
Comment: This sequence change replaces arginine, which is basic and polar, with cysteine, which is neutral and slightly polar, at codon 224 of the NDUFV1 protein (p.Arg224Cys). This variant is present in population databases (rs138583785, gnomAD 0.02%). This variant has not been reported in the literature in individuals affected with NDUFV1-related conditions. ClinVar contains an entry for this variant (Variation ID: 638374). Advanced modeling of protein sequence and biophysical properties (such as structural, functional, and spatial information, amino acid conservation, physicochemical variation, residue mobility, and thermodynamic stability) performed at Invitae indicates that this missense variant is expected to disrupt NDUFV1 protein function with a positive predictive value of 80%. In summary, the available evidence is currently insufficient to determine the role of this variant in disease. Therefore, it has been classified as a Variant of Uncertain Significance.

Blueprint Genetics
Classification: Uncertain significance. Last evaluated: 2024-04-08. Review status: criteria provided, single submitter. Criteria: ACMG Guidelines, 2015. Collection method: clinical testing. Allele origin: germline.

Ambry Genetics
Classification: Uncertain significance for Inborn genetic diseases. Last evaluated: 2023-10-14. Review status: criteria provided, single submitter. Criteria: Ambry Variant Classification Scheme 2023. Collection method: clinical testing. Allele origin: germline.

GeneDx
Classification: Uncertain significance. Last evaluated: 2023-05-02. Review status: criteria provided, single submitter. Criteria: GeneDx Variant Classification Process June 2021. Collection method: clinical testing. Allele origin: germline. Affected: yes.
Comment: In silico analysis supports that this missense variant has a deleterious effect on protein structure/function; Has not been previously published as pathogenic or benign to our knowledge; This variant is associated with the following publications: (PMID: 29420653)

Department of Clinical Genetics, Copenhagen University Hospital, Rigshospitalet
Classification: Uncertain significance for Mitochondrial complex I deficiency, nuclear type 4. Last evaluated: 2021-08-01. Review status: criteria provided, single submitter. Criteria: ACMG Guidelines, 2015. Collection method: clinical testing. Allele origin: inherited. Affected: yes.

Genomic Research Center, Shahid Beheshti University of Medical Sciences
Classification: Uncertain significance for Mitochondrial complex I deficiency, nuclear type 4. Last evaluated: 2019-04-27. Review status: criteria provided, single submitter. Criteria: ACMG Guidelines, 2015. Collection method: clinical testing. Allele origin: unknown. Affected: yes.